The following is an entry in ClinVar:

NM_015978.3(TNNI3K):c.150-3C>T

Genes: FPGT-TNNI3K (FPGT-TNNI3K readthrough; plus strand), TNNI3K (TNNI3 interacting kinase; plus strand). Cytogenetic location: 1p31.1.
Variant type: single nucleotide variant.
Coding change: c.150-3C>T on transcript NM_015978.3 (MANE Select); 3 bases into the intron before coding-DNA position 150, C replaced by T.
Molecular consequence: intron variant.
Genome position (GRCh38, 1-based): chr1:74,249,456, C>T. VCF-style: chr1-74249456-C-T. GRCh37 (hg19) VCF-style: chr1-74715140-C-T.
Other names: c.453-3C>T (NM_001112808.3, NM_001199327.2).
Identifiers: ClinVar variation 2072190 (VCV002072190.4), dbSNP rs1480436537, ClinGen allele CA523786963.
Genomic context (GRCh38, chr1:74,249,456, plus strand): 5'-TCAAATGAAAGACAATATGCTAAAAGATGAATTTTGTGATCATCTGTAACATGTTTTTTT[C>T]AGCTCTGATGAAGCCTTCAGTAAAGTCAATTTAAATTACCGCACTGAAAATGGGCTGTCT-3'

ClinVar aggregate classification (germline): Uncertain significance (1 of 4 stars; one submission).

Allele frequency attached by ClinVar (database versions not stated): gnomAD exomes below 0.00001; TOPMed 0.00001; gnomAD 0.00001.
gnomAD v4.1: 3 of 1,608,370 alleles (0.00019%); highest among the groups gnomAD compares: African/African-American, 0.004%; no homozygotes.

Submission:

Labcorp Genetics (formerly Invitae), Labcorp
Classification: Uncertain significance. Last evaluated: 2024-06-15. Review status: criteria provided, single submitter. Criteria: Invitae Variant Classification Sherloc (09022015). Collection method: clinical testing. Allele origin: germline.
Comment: This sequence change falls in intron 2 of the TNNI3K gene. It does not directly change the encoded amino acid sequence of the TNNI3K protein. It affects a nucleotide within the consensus splice site. This variant is present in population databases (no rsID available, gnomAD 0.01%). This variant has not been reported in the literature in individuals affected with TNNI3K-related conditions. ClinVar contains an entry for this variant (Variation ID: 2072190). Variants that disrupt the consensus splice site are a relatively common cause of aberrant splicing (PMID: 17576681, 9536098). Algorithms developed to predict the effect of sequence changes on RNA splicing suggest that this variant is not likely to affect RNA splicing. In summary, the available evidence is currently insufficient to determine the role of this variant in disease. Therefore, it has been classified as a Variant of Uncertain Significance.

Literature cited by the submitters: PubMed 17576681; PubMed 9536098.